The following is an entry in ClinVar:

NM_001177693.2(ARHGEF28):c.200C>T (p.Thr67Met)

Gene: ARHGEF28 (Rho guanine nucleotide exchange factor 28; plus strand). Cytogenetic location: 5q13.2.
Variant type: single nucleotide variant.
Coding change: c.200C>T on transcript NM_001177693.2 (MANE Select); coding-DNA position 200, C replaced by T.
Protein change: p.Thr67Met; replaces threonine 67 with methionine.
Molecular consequence: missense variant. On other transcripts: intron variant (1).
Genome position (GRCh38, 1-based): chr5:73,752,927, C>T. VCF-style: chr5-73752927-C-T. GRCh37 (hg19) VCF-style: chr5-73048752-C-T.
Other names: c.200C>T, p.Thr67Met (NM_001080479.3, NM_001388078.1); c.181+2943C>T (NM_001388076.1); short protein forms T67M.
Identifiers: ClinVar variation 713965 (VCV000713965.5), dbSNP rs201258223, ClinGen allele CA3304130.

ClinVar aggregate classification (germline): Likely benign. Review status: criteria provided, single submitter (1 of 4 stars). 2 submissions from 2 submitters: Likely benign (1). 1 of the submissions does not count toward it. Last evaluated 2017-09-20.

Conditions:
ARHGEF28-related disorder. Also called: ARHGEF28-related condition.

Allele frequency attached by ClinVar (database versions not stated): ESP Exome Variant Server 0.00016; gnomAD 0.00026 and 0.00028; TOPMed 0.00031; gnomAD exomes 0.00038 and 0.00071; ExAC 0.00084; 1000 Genomes Project 0.00100; 1000 Genomes Project 30x 0.00141.
gnomAD v4.1: 614 of 1,613,836 alleles (0.038%); highest among the groups gnomAD compares: South Asian, 0.5%; 4 homozygotes.

Submissions (2):

Labcorp Genetics (formerly Invitae), Labcorp
Classification: Likely benign. Last evaluated: 2017-09-20. Review status: criteria provided, single submitter. Criteria: Invitae Variant Classification Sherloc (09022015). Collection method: clinical testing. Allele origin: germline.

PreventionGenetics, part of Exact Sciences
Classification: Likely benign for ARHGEF28-related condition. Last evaluated: 2023-12-18. Review status: no assertion criteria provided. Collection method: clinical testing. Allele origin: germline. Not counted in ClinVar's aggregate classification.
Comment: This variant is classified as likely benign based on ACMG/AMP sequence variant interpretation guidelines (Richards et al. 2015 PMID: 25741868, with internal and published modifications).